The following is an entry in ClinVar:

NM_153717.3(EVC):c.2356_2358delinsCACGTA (p.Gly785_Val786insHis)

Gene: EVC (EvC ciliary complex subunit 1; plus strand). Cytogenetic location: 4p16.2.
Variant type: Indel.
Coding change: c.2356_2358delinsCACGTA on transcript NM_153717.3 (MANE Select); coding-DNA positions 2356 to 2358, GTC replaced by CACGTA.
Protein change: p.Gly785_Val786insHis.
Molecular consequence: inframe insertion.
Genome position (GRCh38, 1-based): chr4:5,802,001-5,802,003, GTC replaced by CACGTA. VCF-style: chr4-5802001-GTC-CACGTA. GRCh37 (hg19) VCF-style: chr4-5803728-GTC-CACGTA.
Other names: c.2356_2358delinsCACGTA, p.Gly785_Val786insHis (NM_001306090.2).
Identifiers: ClinVar variation 5004736 (VCV005004736.1).

ClinVar aggregate classification (germline): Uncertain significance (1 of 4 stars; one submission).

Conditions:
Ellis-van Creveld syndrome (EVC). Also called: Chondroectodermal dysplasia; MESOECTODERMAL DYSPLASIA. Identifiers: Orphanet 289, MedGen C0013903, MONDO:0009162, OMIM 225500.

Submission:

Myriad Genetics, Inc.
Classification: Uncertain significance for Ellis-van Creveld syndrome. Last evaluated: 2026-06-23. Review status: criteria provided, single submitter. Criteria: Myriad Autosomal Dominant, Autosomal Recessive and X-Linked Classification Criteria (2023). Collection method: clinical testing. Allele origin: unknown.
Comment: NM_153717.2(EVC):c.2356_2358del3ins6(G785_V786insH) is an in-frame insertion classified as a variant of uncertain significance in the context of EVC-related Ellis-van Creveld syndrome. G785_V786insH has not been observed in cases with relevant disease. Relevant functional assessments of this variant are not available in the literature. G785_V786insH has not been observed in referenced population frequency databases. In summary, there is insufficient evidence to classify NM_153717.2(EVC):c.2356_2358del3ins6(G785_V786insH) as pathogenic or benign. Please note: this variant was assessed in the context of healthy population screening.